The following is an entry in ClinVar:

ClinVar aggregate classification (germline): Pathogenic (1 of 4 stars; one submission).

Conditions:
Martsolf syndrome (MARTS). Also called: Congenital cataract with intellectual disability and hypogonadotropic hypogonadism syndrome. Identifiers: Orphanet 1387, MedGen C0796037, MONDO:0023910.

Submission:

Baylor Genetics
Classification: Pathogenic for Martsolf syndrome 1. Last evaluated: 2019-11-15. Review status: criteria provided, single submitter. Criteria: ACMG Guidelines, 2015. Collection method: clinical testing. Allele origin: unknown. Affected: yes.
Comment: This variant was determined to be pathogenic according to ACMG Guidelines, 2015 [PMID:25741868].

NM_012414.4(RAB3GAP2):c.2366_2370delinsGACTGTGG (p.Gln789_Ser790delinsArgLeuTrp)

Gene: RAB3GAP2 (RAB3 GTPase activating non-catalytic protein subunit 2; minus strand). Cytogenetic location: 1q41.
Variant type: Indel.
Coding change: c.2366_2370delinsGACTGTGG on transcript NM_012414.4 (MANE Select); coding-DNA positions 2366 to 2370, AGTCA replaced by GACTGTGG.
Protein change: p.Gln789_Ser790delinsArgLeuTrp.
Molecular consequence: inframe indel.
Genome position (GRCh38, 1-based): chr1:220,172,683-220,172,687, TGACT replaced by CCACAGTC on the plus strand (AGTCA replaced by GACTGTGG on the coding strand, the reverse complement: RAB3GAP2 is on the minus strand). VCF-style: chr1-220172683-TGACT-CCACAGTC. GRCh37 (hg19) VCF-style: chr1-220346025-TGACT-CCACAGTC.
Identifiers: ClinVar variation 1030256 (VCV001030256.1), dbSNP rs1658202227, ClinGen allele CA1222304208.
Genomic context (GRCh38, chr1:220,172,683, plus strand): 5'-CAAACTTTGTTTACCTTTCATCTTGCTCAGGAGGGACAGCATGGTATGAAGACAGCAGAT[TGACT>CCACAGTC]GTGGTTTATCCAAAATATCCTTTTCCTTTGAAAGCCAAACACTCAGGAGCAGAGACTGAA-3'